The following is an entry in ClinVar:

ClinVar aggregate classification (germline): Likely benign. Review status: criteria provided, multiple submitters, no conflicts (2 of 4 stars). 2 submissions from 2 submitters: Likely benign (2). Last evaluated 2026-07-28.

Conditions:
DMD-related disorder. Also called: DMD-related condition.
Duchenne muscular dystrophy (DMD). Also called: Duchenne Muscular Dystrophy (DMD); MUSCULAR DYSTROPHY, PSEUDOHYPERTROPHIC PROGRESSIVE, DUCHENNE TYPE. Identifiers: Orphanet 98896, MedGen C0013264, MONDO:0010679, OMIM 310200.

Submissions (2):

PreventionGenetics, part of Exact Sciences
Classification: Likely benign for DMD-related condition. Last evaluated: 2026-07-28. Review status: criteria provided, single submitter. Criteria: ACMG Guidelines, 2015. Collection method: clinical testing. Allele origin: germline.
Comment: This variant is classified as likely benign based on ACMG/AMP sequence variant interpretation guidelines (Richards et al. 2015 PMID: 25741868, with internal and published modifications).

Labcorp Genetics (formerly Invitae), Labcorp
Classification: Likely benign for Duchenne muscular dystrophy. Last evaluated: 2025-10-27. Review status: criteria provided, single submitter. Criteria: Invitae Variant Classification Sherloc (09022015). Collection method: clinical testing. Allele origin: germline.

NM_004006.3(DMD):c.213T>G (p.Val71=)

Gene: DMD (dystrophin; minus strand). Cytogenetic location: Xp21.1.
Variant type: single nucleotide variant.
Coding change: c.213T>G on transcript NM_004006.3 (MANE Select); coding-DNA position 213, T replaced by G.
Protein change: p.Val71=; no amino-acid change (valine 71 retained).
Molecular consequence: synonymous variant. On other transcripts: 5 prime UTR variant (1).
Genome position (GRCh38, 1-based): chrX:32,844,834, A>C on the plus strand (T>G on the coding strand, the complement: DMD is on the minus strand). VCF-style: chrX-32844834-A-C. GRCh37 (hg19) VCF-style: chrX-32862951-A-C.
Other names: c.189T>G, p.Val63= (NM_000109.4); c.201T>G, p.Val67= (NM_004009.3); c.-157T>G (NM_004010.3).
Identifiers: ClinVar variation 4714474 (VCV004714474.2).
Genomic context (GRCh38, chrX:32,844,834, plus strand): 5'-ACTACTTACATTATTGTTCTGCAAAACCCGCAGTGCCTTGTTGACATTGTTCAGGGCATG[A>C]ACTCTTGTGGATCCTTTTTCTTTTGGCTGAGAACAAAACAAAAGAGTGTTCACTGACCAG-3'
Protein context (NP_003997.2, residues 61-81): KLPKEKGSTR[Val71=]HALNNVNKAL